The following is an entry in ClinVar:

ClinVar aggregate classification (germline): Uncertain significance (1 of 4 stars; one submission).

Submission:

Labcorp Genetics (formerly Invitae), Labcorp
Classification: Uncertain significance. Last evaluated: 2023-02-21. Review status: criteria provided, single submitter. Criteria: Invitae Variant Classification Sherloc (09022015). Collection method: clinical testing. Allele origin: germline.
Comment: In summary, the available evidence is currently insufficient to determine the role of this variant in disease. Therefore, it has been classified as a Variant of Uncertain Significance. Advanced modeling of protein sequence and biophysical properties (such as structural, functional, and spatial information, amino acid conservation, physicochemical variation, residue mobility, and thermodynamic stability) performed at Invitae indicates that this missense variant is not expected to disrupt COL9A2 protein function. This variant has not been reported in the literature in individuals affected with COL9A2-related conditions. This variant is not present in population databases (gnomAD no frequency). This sequence change replaces alanine, which is neutral and non-polar, with aspartic acid, which is acidic and polar, at codon 672 of the COL9A2 protein (p.Ala672Asp).

NM_001852.4(COL9A2):c.2015C>A (p.Ala672Asp)

Gene: COL9A2 (collagen type IX alpha 2 chain; minus strand). Cytogenetic location: 1p34.2.
Variant type: single nucleotide variant.
Coding change: c.2015C>A on transcript NM_001852.4 (MANE Select); coding-DNA position 2015, C replaced by A.
Protein change: p.Ala672Asp; replaces alanine 672 with aspartic acid.
Molecular consequence: missense variant.
Genome position (GRCh38, 1-based): chr1:40,301,237, G>T on the plus strand (C>A on the coding strand, the complement: COL9A2 is on the minus strand). VCF-style: chr1-40301237-G-T. GRCh37 (hg19) VCF-style: chr1-40766909-G-T.
Other names: short protein forms A672D.
Identifiers: ClinVar variation 2836444 (VCV002836444.3), dbSNP rs2522466385, ClinGen allele CA339873810.